The following is an entry in ClinVar:

ClinVar aggregate classification (germline): Pathogenic/Likely pathogenic. Review status: criteria provided, multiple submitters, no conflicts (2 of 4 stars). 3 submissions from 3 submitters: Pathogenic (2); Likely pathogenic (1). Last evaluated 2026-04-07.

Conditions:
Cardiovascular phenotype. Identifiers: MedGen CN230736.
Hereditary cancer-predisposing syndrome. Also called: Neoplastic Syndromes, Hereditary; Tumor predisposition; Hereditary Cancer Syndrome; Hereditary neoplastic syndrome. Identifiers: Orphanet 140162, MedGen C0027672, MeSH D009386, MONDO:0015356.
Neurofibromatosis, type 1 (NF1). Also called: Peripheral type neurofibromatosis; NEUROFIBROMATOSIS, TYPE I, SOMATIC; Neurofibromatosis, type I; VON RECKLINGHAUSEN DISEASE. Identifiers: Orphanet 636, MedGen C0027831, MONDO:0018975, OMIM 162200. Disease mechanism: loss of function.
Juvenile myelomonocytic leukemia (JMML). Also called: LEUKEMIA, JUVENILE MYELOMONOCYTIC, SOMATIC. Identifiers: Orphanet 86834, MedGen C0349639, MONDO:0011908, OMIM 607785, HP:0012209.

Submissions (3):

Ambry Genetics
Classification: Pathogenic for Cardiovascular phenotype; Hereditary cancer-predisposing syndrome. Last evaluated: 2026-04-07. Review status: criteria provided, single submitter. Criteria: Ambry Variant Classification Scheme 2023. Collection method: clinical testing. Allele origin: germline.
Comment: The c.6799C>T pathogenic variant (also known as p.Q2267*), located in coding exon 45 of the NF1 gene, results from a C to T substitution at nucleotide position 6799. This changes the amino acid from a glutamine to a stop codon within coding exon 45. This alteration is expected to result in loss of function by premature protein truncation or nonsense-mediated mRNA decay. However, this alteration and another nonsense pathogenic mutation (c.6792C>A) occur in cis in the same exon segregated in a large family with NF1. And RNA studies have demonstrated that individuals with double mutations (c.6792C>A and 6799C>T) resulted in higher abnormal splicing leading to skipping of exon 45 (Hern&aacute;ndez-Imaz E et al. Clin Genet, 2013 May;83:462-6). This variant was reported in individual(s) with features consistent with NF1 (Pasmant E et al. Eur J Hum Genet, 2015 May;23:596-601; Ambry internal data). This variant is considered to be rare based on population cohorts in the Genome Aggregation Database (gnomAD). This alteration is expected to result in loss of function by premature protein truncation or nonsense-mediated mRNA decay. As such, this alteration is interpreted as a disease-causing mutation.

Labcorp Genetics (formerly Invitae), Labcorp
Classification: Pathogenic for Neurofibromatosis, type 1. Last evaluated: 2025-12-22. Review status: criteria provided, single submitter. Criteria: Invitae Variant Classification Sherloc (09022015). Collection method: clinical testing. Allele origin: germline.
Comment: This sequence change creates a premature translational stop signal (p.Gln2267*) in the NF1 gene. It is expected to result in an absent or disrupted protein product. Loss-of-function variants in NF1 are known to be pathogenic (PMID: 10712197, 23913538). This variant is not present in population databases (gnomAD no frequency). This variant has not been reported in the literature in individuals affected with NF1-related conditions. Invitae Evidence Modeling of clinical and family history, age, sex, and reported ancestry of multiple individuals with this NF1 variant has been performed. This variant is expected to be pathogenic with a positive predictive value of at least 99%. This is a validated machine learning model that incorporates the clinical features of 1,785,918 individuals referred to our laboratory for NF1 testing. ClinVar contains an entry for this variant (Variation ID: 1755477). Algorithms developed to predict the effect of sequence changes on RNA splicing suggest that this variant may disrupt the consensus splice site. For these reasons, this variant has been classified as Pathogenic.

Baylor Genetics
Classification: Likely pathogenic for Juvenile myelomonocytic leukemia. Last evaluated: 2023-04-13. Review status: criteria provided, single submitter. Criteria: ACMG Guidelines, 2015. Collection method: clinical testing. Allele origin: unknown.

Literature cited by the submitters: PubMed 22925204 (cited by Ambry Genetics); PubMed 25074460 (cited by Ambry Genetics); PubMed 10712197 (cited by Labcorp Genetics (formerly Invitae), Labcorp); PubMed 23913538 (cited by Labcorp Genetics (formerly Invitae), Labcorp).

NM_001042492.3(NF1):c.6862C>T (p.Gln2288Ter)

Gene: NF1 (neurofibromin 1; plus strand). Cytogenetic location: 17q11.2.
Variant type: single nucleotide variant.
Coding change: c.6862C>T on transcript NM_001042492.3 (MANE Select); coding-DNA position 6862, C replaced by T.
Protein change: p.Gln2288Ter; replaces glutamine 2288 with a stop codon.
Molecular consequence: nonsense.
Genome position (GRCh38, 1-based): chr17:31,338,746, C>T. VCF-style: chr17-31338746-C-T. GRCh37 (hg19) VCF-style: chr17-29665764-C-T.
Other names: c.6799C>T, p.Gln2267Ter (NM_000267.4); short protein forms Q2267*, Q2288*.
Identifiers: ClinVar variation 1755477 (VCV001755477.7), dbSNP rs2151559233, ClinGen allele CA399014334.